The following is an entry in ClinVar:

NM_005765.3(ATP6AP2):c.121C>T (p.Arg41Trp)

Gene: ATP6AP2 (ATPase H+ transporting accessory protein 2; plus strand). Cytogenetic location: Xp11.4.
Variant type: single nucleotide variant.
Coding change: c.121C>T on transcript NM_005765.3 (MANE Select); coding-DNA position 121, C replaced by T.
Protein change: p.Arg41Trp; replaces arginine 41 with tryptophan.
Molecular consequence: missense variant.
Genome position (GRCh38, 1-based): chrX:40,589,069, C>T. VCF-style: chrX-40589069-C-T. GRCh37 (hg19) VCF-style: chrX-40448321-C-T.
Other names: short protein forms R41W.
Identifiers: ClinVar variation 4744276 (VCV004744276.1).

ClinVar aggregate classification (germline): Uncertain significance (1 of 4 stars; one submission).

Conditions:
Intellectual developmental disorder, X-linked, syndromic, Hedera type. Also called: Syndromic X-linked intellectual disability Hedera type. Identifiers: Orphanet 93952, MedGen C1845543, MONDO:0010319, OMIM 300423.

gnomAD v4.1: 1 of 1,209,263 alleles (0.000083%); no homozygotes.

Submission:

Labcorp Genetics (formerly Invitae), Labcorp
Classification: Uncertain significance for Intellectual developmental disorder, X-linked, syndromic, Hedera type. Last evaluated: 2025-04-01. Review status: criteria provided, single submitter. Criteria: Invitae Variant Classification Sherloc (09022015). Collection method: clinical testing. Allele origin: germline.
Comment: This sequence change replaces arginine, which is basic and polar, with tryptophan, which is neutral and slightly polar, at codon 41 of the ATP6AP2 protein (p.Arg41Trp). The frequency data for this variant in the population databases is considered unreliable, as metrics indicate poor data quality at this position in the gnomAD database. This variant has not been reported in the literature in individuals affected with ATP6AP2-related conditions. Invitae Evidence Modeling of protein sequence and biophysical properties (such as structural, functional, and spatial information, amino acid conservation, physicochemical variation, residue mobility, and thermodynamic stability) indicates that this missense variant is expected to disrupt ATP6AP2 protein function with a positive predictive value of 80%. In summary, the available evidence is currently insufficient to determine the role of this variant in disease. Therefore, it has been classified as a Variant of Uncertain Significance.